The following is an entry in ClinVar:

ClinVar aggregate classification (germline): Uncertain significance (1 of 4 stars; one submission).

Conditions:
Hereditary cancer-predisposing syndrome. Also called: Hereditary Cancer Syndrome; Hereditary neoplastic syndrome; Neoplastic Syndromes, Hereditary; Tumor predisposition. Identifiers: Orphanet 140162, MedGen C0027672, MeSH D009386, MONDO:0015356.

gnomAD v4.1: 3 of 1,614,156 alleles (0.00019%); highest among the groups gnomAD compares: Non-Finnish European, 0.00025%; no homozygotes.

Submission:

Ambry Genetics
Classification: Uncertain significance for Hereditary cancer-predisposing syndrome. Last evaluated: 2025-06-18. Review status: criteria provided, single submitter. Criteria: Ambry Variant Classification Scheme 2023. Collection method: clinical testing. Allele origin: germline.
Comment: The p.R932H variant (also known as c.2795G>A), located in coding exon 23 of the EGFR gene, results from a G to A substitution at nucleotide position 2795. The arginine at codon 932 is replaced by histidine, an amino acid with highly similar properties. This amino acid position is highly conserved in available vertebrate species. In addition, this alteration is predicted to be deleterious by in silico analysis. Based on the available evidence, the clinical significance of this variant remains unclear.

NM_005228.5(EGFR):c.2795G>A (p.Arg932His)

Gene: EGFR (epidermal growth factor receptor; plus strand). Cytogenetic location: 7p11.2.
Variant type: single nucleotide variant.
Coding change: c.2795G>A on transcript NM_005228.5 (MANE Select); coding-DNA position 2795, G replaced by A.
Protein change: p.Arg932His; replaces arginine 932 with histidine.
Molecular consequence: missense variant.
Genome position (GRCh38, 1-based): chr7:55,198,810, G>A. VCF-style: chr7-55198810-G-A. GRCh37 (hg19) VCF-style: chr7-55266503-G-A.
Other names: c.2660G>A, p.Arg887His (NM_001346897.2, NM_001346899.2); c.2795G>A, p.Arg932His (NM_001346898.2); c.2636G>A, p.Arg879His (NM_001346900.2); c.1994G>A, p.Arg665His (NM_001346941.2); short protein forms R887H, R932H, R665H, R879H.
Identifiers: ClinVar variation 4247267 (VCV004247267.1).